The following is an entry in ClinVar:

ClinVar aggregate classification (germline): Uncertain significance (1 of 4 stars; one submission).

Conditions:
Joubert syndrome 21 (JBTS21). Identifiers: MedGen C3810212, MONDO:0014288, OMIM 615636.

Allele frequency attached by ClinVar (database versions not stated): gnomAD exomes below 0.00001 and 0.00001; ExAC 0.00001; gnomAD 0.00001; TOPMed 0.00001.
gnomAD v4.1: 5 of 1,607,874 alleles (0.00031%); highest among the groups gnomAD compares: Admixed American, 0.0084%; no homozygotes.

Submission:

Labcorp Genetics (formerly Invitae), Labcorp
Classification: Uncertain significance for Joubert syndrome 21. Last evaluated: 2022-02-09. Review status: criteria provided, single submitter. Criteria: Invitae Variant Classification Sherloc (09022015). Collection method: clinical testing. Allele origin: germline.
Comment: Algorithms developed to predict the effect of missense changes on protein structure and function (SIFT, PolyPhen-2, Align-GVGD) all suggest that this variant is likely to be tolerated. This variant has not been reported in the literature in individuals affected with CSPP1-related conditions. This variant is present in population databases (rs748917623, gnomAD 0.009%). This sequence change replaces glutamic acid, which is acidic and polar, with aspartic acid, which is acidic and polar, at codon 60 of the CSPP1 protein (p.Glu60Asp). In summary, the available evidence is currently insufficient to determine the role of this variant in disease. Therefore, it has been classified as a Variant of Uncertain Significance.

NM_001382391.1(CSPP1):c.72A>C (p.Glu24Asp)

Gene: CSPP1 (centrosome and spindle pole associated protein 1; plus strand). Cytogenetic location: 8q13.1.
Variant type: single nucleotide variant.
Coding change: c.72A>C on transcript NM_001382391.1 (MANE Select); coding-DNA position 72, A replaced by C.
Protein change: p.Glu24Asp; replaces glutamic acid 24 with aspartic acid.
Molecular consequence: missense variant.
Genome position (GRCh38, 1-based): chr8:67,074,324, A>C. VCF-style: chr8-67074324-A-C. GRCh37 (hg19) VCF-style: chr8-67986559-A-C.
Other names: c.72A>C, p.Glu24Asp (NM_001363131.2, NM_001363132.2, NM_001363133.2); c.180A>C, p.Glu60Asp (NM_001364869.1, NM_001364870.1, NM_024790.7); short protein forms E24D, E60D.
Identifiers: ClinVar variation 1355805 (VCV001355805.8), dbSNP rs748917623, ClinGen allele CA4770112.
Genomic context (GRCh38, chr8:67,074,324, plus strand): 5'-TTTGGATGAATTTATTGAAGAGCAAAAAGCCAGATTGGCCGAAGACAAAGCAGAGTTGGA[A>C]AGTGATCCACCTTACATGGAAATGAAGGTAAATTTAATAATTTTCTTTGAACATGTTTTA-3'
Protein context (NP_001369320.1, residues 14-34): ARLAEDKAEL[Glu24Asp]SDPPYMEMKG